The following is an entry in ClinVar:

ClinVar aggregate classification (germline): Pathogenic (1 of 4 stars; one submission).

Submission:

Labcorp Genetics (formerly Invitae), Labcorp
Classification: Pathogenic. Last evaluated: 2021-02-14. Review status: criteria provided, single submitter. Criteria: Invitae Variant Classification Sherloc (09022015). Collection method: clinical testing. Allele origin: germline.
Comment: For these reasons, this variant has been classified as Pathogenic. This variant has not been reported in the literature in individuals with DRP2-related conditions. This variant is not present in population databases (ExAC no frequency). This sequence change creates a premature translational stop signal (p.Glu838Phefs*22) in the DRP2 gene. It is expected to result in an absent or disrupted protein product. Loss-of-function variants in DRP2 are known to be pathogenic (PMID: 22764250, 26227883).

Literature cited by the submitters: PubMed 22764250; PubMed 26227883.

NM_001939.3(DRP2):c.2512_2524del (p.Glu838fs)

Gene: DRP2 (dystrophin related protein 2; plus strand). Cytogenetic location: Xq22.1.
Variant type: Deletion.
Coding change: c.2512_2524del on transcript NM_001939.3 (MANE Select); coding-DNA positions 2512 to 2524, 13 bases deleted (GAGGCCCGTATCC).
Protein change: p.Glu838fs; shifts the reading frame from glutamic acid 838.
Molecular consequence: frameshift variant.
Genome position (GRCh38, 1-based): chrX:101,258,430-101,258,442, GAGGCCCGTATCC deleted; deleting any 13 consecutive bases within chrX:101,258,428-101,258,442 gives the same sequence; the c. name uses the placement nearest the transcript's 3' end. VCF-style (leftmost placement, unchanged base first): chrX-101258427-GCCGAGGCCCGTAT-G. GRCh37 (hg19) VCF-style: chrX-100513416-GCCGAGGCCCGTAT-G.
Other names: c.2278_2290del, p.Glu760fs (NM_001171184.2); short protein forms E760fs, E838fs.
Identifiers: ClinVar variation 1454533 (VCV001454533.6), dbSNP rs2147354489, ClinGen allele CA2573159059.